The following is an entry in ClinVar:

ClinVar aggregate classification (germline): Benign. Review status: criteria provided, multiple submitters, no conflicts (2 of 4 stars). 3 submissions from 3 submitters: Benign (2). 1 of the submissions does not count toward it. Last evaluated 2026-02-02.

Conditions:
PACS2-related disorder. Also called: PACS2-related condition.

Allele frequency attached by ClinVar (database versions not stated): gnomAD exomes 0.00705 and 0.00863; ExAC 0.01016; gnomAD 0.00666 and 0.00677; TOPMed 0.00710; 1000 Genomes Project 0.00459; 1000 Genomes Project 30x 0.00547; ESP Exome Variant Server 0.00687.
gnomAD v4.1: 13,465 of 1,587,892 alleles (0.85%); highest among the groups gnomAD compares: Non-Finnish European, 0.95%; 87 homozygotes.

Submissions (3):

Labcorp Genetics (formerly Invitae), Labcorp
Classification: Benign. Last evaluated: 2026-02-02. Review status: criteria provided, single submitter. Criteria: Invitae Variant Classification Sherloc (09022015). Collection method: clinical testing. Allele origin: germline.

Breakthrough Genomics
Classification: Benign. Review status: criteria provided, single submitter. Criteria: ACMG Guidelines, 2015. Collection method: not provided. Allele origin: germline. Inheritance: Autosomal dominant inheritance. Affected: yes.

PreventionGenetics, part of Exact Sciences
Classification: Benign for PACS2-related condition. Last evaluated: 2019-06-24. Review status: no assertion criteria provided. Collection method: clinical testing. Allele origin: germline. Not counted in ClinVar's aggregate classification.
Comment: This variant is classified as benign based on ACMG/AMP sequence variant interpretation guidelines (Richards et al. 2015 PMID: 25741868, with internal and published modifications).

NM_001100913.3(PACS2):c.2255+9G>T

Gene: PACS2 (phosphofurin acidic cluster sorting protein 2; plus strand). Cytogenetic location: 14q32.33.
Variant type: single nucleotide variant.
Coding change: c.2255+9G>T on transcript NM_001100913.3 (MANE Select); 9 bases into the intron after coding-DNA position 2255, G replaced by T.
Molecular consequence: intron variant.
Genome position (GRCh38, 1-based): chr14:105,391,775, G>T. VCF-style: chr14-105391775-G-T. GRCh37 (hg19) VCF-style: chr14-105858112-G-T.
Other names: c.1985+9G>T (NM_001243127.3); c.2210+9G>T (NM_015197.4); c.2255+9G>T (NM_001100913.2).
Identifiers: ClinVar variation 1603938 (VCV001603938.11), dbSNP rs61984704, ClinGen allele CA7389211.